The following is an entry in ClinVar:

ClinVar aggregate classification (germline): Uncertain significance (1 of 4 stars; one submission).

Conditions:
Neuronal ceroid lipofuscinosis 7 (CLN7). Also called: MFSD8-Related Neuronal Ceroid-Lipofuscinosis. Identifiers: Orphanet 168491, Orphanet 228366, MedGen C1838571, MONDO:0012588, OMIM 610951.

Submission:

Labcorp Genetics (formerly Invitae), Labcorp
Classification: Uncertain significance for Neuronal ceroid lipofuscinosis 7. Last evaluated: 2024-02-17. Review status: criteria provided, single submitter. Criteria: Invitae Variant Classification Sherloc (09022015). Collection method: clinical testing. Allele origin: germline.
Comment: This sequence change replaces leucine, which is neutral and non-polar, with proline, which is neutral and non-polar, at codon 227 of the MFSD8 protein (p.Leu227Pro). This variant is not present in population databases (gnomAD no frequency). This variant has not been reported in the literature in individuals affected with MFSD8-related conditions. ClinVar contains an entry for this variant (Variation ID: 1503059). Advanced modeling of protein sequence and biophysical properties (such as structural, functional, and spatial information, amino acid conservation, physicochemical variation, residue mobility, and thermodynamic stability) performed at Invitae indicates that this missense variant is expected to disrupt MFSD8 protein function with a positive predictive value of 80%. In summary, the available evidence is currently insufficient to determine the role of this variant in disease. Therefore, it has been classified as a Variant of Uncertain Significance.

NM_001371596.2(MFSD8):c.680T>C (p.Leu227Pro)

Gene: MFSD8 (major facilitator superfamily domain containing 8; minus strand). Cytogenetic location: 4q28.2.
Variant type: single nucleotide variant.
Coding change: c.680T>C on transcript NM_001371596.2 (MANE Select); coding-DNA position 680, T replaced by C.
Protein change: p.Leu227Pro; replaces leucine 227 with proline.
Molecular consequence: missense variant. On other transcripts: intron variant (5).
Genome position (GRCh38, 1-based): chr4:127,939,871, A>G on the plus strand (T>C on the coding strand, the complement: MFSD8 is on the minus strand). VCF-style: chr4-127939871-A-G. GRCh37 (hg19) VCF-style: chr4-128861026-A-G.
Other names: c.545T>C, p.Leu182Pro (NM_001371590.2); c.680T>C, p.Leu227Pro (NM_001371591.2, NM_152778.4); c.686T>C, p.Leu229Pro (NM_001371592.2); c.566T>C, p.Leu189Pro (NM_001371593.2, NM_001410766.1); c.419-1035T>C (NM_001371595.1); c.304+3881T>C (NM_001410765.1); c.439+3881T>C (NM_001363521.3); c.553+2174T>C (NM_001363520.3); and 1 more; short protein forms L189P, L229P, L182P, L227P.
Identifiers: ClinVar variation 1503059 (VCV001503059.9), dbSNP rs2148907246, ClinGen allele CA358175335.
Genomic context (GRCh38, chr4:127,939,871, plus strand): 5'-TCACAATCTACAAAAATAGTTTTATCATTTCTATCTAATTACCTTAGTATGGCAAGGATC[A>G]GAATAATATTTAAAATTCCCAGGAAGGCGCTAAGTAAAACTGGTGTTGTATACATGTTTA-3'
Protein context (NP_001358525.1, residues 217-237): SAFLGILNII[Leu227Pro]ILAILREHRV